The following is an entry in ClinVar:

ClinVar aggregate classification (germline): Uncertain significance. Review status: criteria provided, multiple submitters, no conflicts (2 of 4 stars). 2 submissions from 2 submitters: Uncertain significance (2). Last evaluated 2025-08-31.

Conditions:
Inborn genetic diseases. Identifiers: MedGen C0950123, MeSH D030342.

Allele frequency attached by ClinVar (database versions not stated): gnomAD exomes 0.00004 and 0.00008; ExAC 0.00007; gnomAD 0.00011; TOPMed 0.00014; 1000 Genomes Project 0.00020; ESP Exome Variant Server 0.00024; 1000 Genomes Project 30x 0.00031.
gnomAD v4.1: 75 of 1,614,012 alleles (0.0046%); highest among the groups gnomAD compares: Middle Eastern, 0.049%; no homozygotes.

Submissions (2):

Ambry Genetics
Classification: Uncertain significance for Inborn genetic diseases. Last evaluated: 2025-08-31. Review status: criteria provided, single submitter. Criteria: Ambry Variant Classification Scheme 2023. Collection method: clinical testing. Allele origin: germline.

Labcorp Genetics (formerly Invitae), Labcorp
Classification: Uncertain significance. Last evaluated: 2023-12-11. Review status: criteria provided, single submitter. Criteria: Invitae Variant Classification Sherloc (09022015). Collection method: clinical testing. Allele origin: germline.
Comment: This sequence change replaces proline, which is neutral and non-polar, with serine, which is neutral and polar, at codon 2378 of the MYO18B protein (p.Pro2378Ser). This variant is present in population databases (rs367981805, gnomAD 0.03%). This variant has not been reported in the literature in individuals affected with MYO18B-related conditions. ClinVar contains an entry for this variant (Variation ID: 1436687). Algorithms developed to predict the effect of missense changes on protein structure and function output the following: SIFT: "Not Available"; PolyPhen-2: "Possibly Damaging"; Align-GVGD: "Not Available". The serine amino acid residue is found in multiple mammalian species, which suggests that this missense change does not adversely affect protein function. In summary, the available evidence is currently insufficient to determine the role of this variant in disease. Therefore, it has been classified as a Variant of Uncertain Significance.

NM_032608.7(MYO18B):c.7132C>T (p.Pro2378Ser)

Gene: MYO18B (myosin XVIIIB; plus strand). Cytogenetic location: 22q12.1.
Variant type: single nucleotide variant.
Coding change: c.7132C>T on transcript NM_032608.7 (MANE Select); coding-DNA position 7132, C replaced by T.
Protein change: p.Pro2378Ser; replaces proline 2378 with serine.
Molecular consequence: missense variant.
Genome position (GRCh38, 1-based): chr22:26,027,106, C>T. VCF-style: chr22-26027106-C-T. GRCh37 (hg19) VCF-style: chr22-26423072-C-T.
Other names: c.7135C>T, p.Pro2379Ser (NM_001318245.2); c.7132C>T (NM_032608.5); short protein forms P2379S, P2378S.
Identifiers: ClinVar variation 1436687 (VCV001436687.8), dbSNP rs367981805, ClinGen allele CA10161699.